The following is an entry in ClinVar:

ClinVar aggregate classification (germline): Uncertain significance (1 of 4 stars; one submission).

Conditions:
Inborn genetic diseases. Identifiers: MedGen C0950123, MeSH D030342.

Submission:

Ambry Genetics
Classification: Uncertain significance for Inborn genetic diseases. Last evaluated: 2025-03-20. Review status: criteria provided, single submitter. Criteria: Ambry Variant Classification Scheme 2023. Collection method: clinical testing. Allele origin: germline.
Comment: The p.S344R variant (also known as c.1032T>A), located in coding exon 9 of the PAX5 gene, results from a T to A substitution at nucleotide position 1032. The serine at codon 344 is replaced by arginine, an amino acid with dissimilar properties. This amino acid position is conserved. In addition, this alteration is predicted to be tolerated by in silico analysis. Based on the available evidence, the clinical significance of this variant remains unclear.

NM_016734.3(PAX5):c.1032T>A (p.Ser344Arg)

Gene: PAX5 (paired box 5; minus strand). Cytogenetic location: 9p13.2.
Variant type: single nucleotide variant.
Coding change: c.1032T>A on transcript NM_016734.3 (MANE Select); coding-DNA position 1032, T replaced by A.
Protein change: p.Ser344Arg; replaces serine 344 with arginine.
Molecular consequence: missense variant. On other transcripts: non-coding transcript variant (2), intron variant (5).
Genome position (GRCh38, 1-based): chr9:36,846,910, A>T on the plus strand (T>A on the coding strand, the complement: PAX5 is on the minus strand). VCF-style: chr9-36846910-A-T. GRCh37 (hg19) VCF-style: chr9-36846907-A-T.
Other names: c.930T>A, p.Ser310Arg (NM_001280547.2); c.800T>A, p.Val267Asp (NM_001280549.2); c.903T>A, p.Ser301Arg (NM_001280554.2); c.732T>A, p.Ser244Arg (NM_001280555.2); c.708T>A, p.Ser236Arg (NM_001280556.2); c.587-6274T>A (NM_001280551.2); c.884-6274T>A (NM_001280553.2); c.781-6274T>A (NM_001280550.2); and 2 more; short protein forms S236R, S244R, S301R, S344R, S310R, V267D.
Identifiers: ClinVar variation 3928271 (VCV003928271.1).